The following is an entry in ClinVar:

ClinVar aggregate classification (germline): Pathogenic (1 of 4 stars; one submission).

Conditions:
Familial cancer of breast. Also called: hereditary breast carcinoma; BREAST CANCER, FAMILIAL; Hereditary breast cancer. Identifiers: Orphanet 227535, MedGen C0346153, MONDO:0016419, OMIM 114480. Disease mechanism: loss of function.

Submission:

Myriad Genetics, Inc.
Classification: Pathogenic for Familial cancer of breast. Last evaluated: 2024-01-31. Review status: criteria provided, single submitter. Criteria: Myriad Autosomal Dominant, Autosomal Recessive and X-Linked Classification Criteria (2023). Collection method: clinical testing. Allele origin: unknown.
Comment: This variant is considered pathogenic. This variant creates a frameshift predicted to result in premature protein truncation.

NM_000051.4(ATM):c.7457_7467del (p.Arg2486fs)

Genes: ATM (ATM serine/threonine kinase; plus strand), C11orf65 (chromosome 11 open reading frame 65; minus strand). Cytogenetic location: 11q22.3.
Variant type: Deletion.
Coding change: c.7457_7467del on transcript NM_000051.4 (MANE Select); coding-DNA positions 7457 to 7467, 11 bases deleted (GACTTTGTTCC).
Protein change: p.Arg2486fs; shifts the reading frame from arginine 2486.
Molecular consequence: frameshift variant. On other transcripts: intron variant (2).
Genome position (GRCh38, 1-based): chr11:108,330,363-108,330,373, GACTTTGTTCC deleted; deleting any 11 consecutive bases within chr11:108,330,359-108,330,373 gives the same sequence; the c. name uses the placement nearest the transcript's 3' end. VCF-style (leftmost placement, unchanged base first): chr11-108330358-ATTCCGACTTTG-A. GRCh37 (hg19) VCF-style: chr11-108201085-ATTCCGACTTTG-A.
Other names: c.7457_7467del, p.Arg2486fs (NM_001351834.2); c.641-21298_641-21288del (NM_001330368.2); c.*38+4851_*38+4861del (NM_001351110.2); short protein forms R2486fs.
Identifiers: ClinVar variation 3148615 (VCV003148615.1), dbSNP rs2547263503, ClinGen allele CA2825001955.
Genomic context (GRCh38, chr11:108,330,358, plus strand): 5'-TAAAGCAGTTGAAAATTATATCAACTGCTTATTAAGTGGAGAAGAACATGATATGTGGGT[ATTCCGACTTTG>A]TTCCCTCTGGCTTGAAAATTCTGGAGTTTCTGAAGTCAATGGCATGATGAAGGCAAGTGT-3'